The following is an entry in ClinVar:

NM_000127.3(EXT1):c.1056+2T>A

Gene: EXT1 (exostosin glycosyltransferase 1; minus strand). Cytogenetic location: 8q24.11.
Variant type: single nucleotide variant.
Coding change: c.1056+2T>A on transcript NM_000127.3 (MANE Select); the canonical splice donor site of the intron after coding-DNA position 1056, T replaced by A.
Molecular consequence: splice donor variant.
Genome position (GRCh38, 1-based): chr8:117,837,106, A>T on the plus strand (T>A on the coding strand, the complement: EXT1 is on the minus strand). VCF-style: chr8-117837106-A-T. GRCh37 (hg19) VCF-style: chr8-118849345-A-T.
Identifiers: ClinVar variation 456059 (VCV000456059.8), dbSNP rs1554580142, ClinGen allele CA371893183.
Genomic context (GRCh38, chr8:117,837,106, plus strand): 5'-AAACCCACTTAATCTGGCTTCGGTCCTCAGCCCTATTCTGGGAAGGCTCCAGGGCCTCTT[A>T]CCTGCAAAGCCTCCAGGAATCTGAAGGACCCAAGCCTGCGACCACGAGGAACCAGACAGA-3'

ClinVar aggregate classification (germline): Pathogenic (1 of 4 stars; one submission).

Conditions:
Multiple congenital exostosis (EXT). Also called: MULTIPLE CARTILAGINOUS EXOSTOSES; Hereditary multiple osteochondromas; Multiple exostoses; Hereditary multiple exostoses; Hereditary multiple exostosis; Multiple osteochondromas. Identifiers: Orphanet 321, MedGen C0015306, MONDO:0005508, HP:0002762.

Submission:

Labcorp Genetics (formerly Invitae), Labcorp
Classification: Pathogenic for Multiple congenital exostosis. Last evaluated: 2025-08-17. Review status: criteria provided, single submitter. Criteria: Invitae Variant Classification Sherloc (09022015). Collection method: clinical testing. Allele origin: germline.
Comment: This sequence change affects a donor splice site in intron 2 of the EXT1 gene. It is expected to disrupt RNA splicing. Variants that disrupt the donor or acceptor splice site typically lead to a loss of protein function (PMID: 16199547), and loss-of-function variants in EXT1 are known to be pathogenic (PMID: 10679937, 11391482, 19810120). This variant is not present in population databases (gnomAD no frequency). Disruption of this splice site has been observed in individual(s) with clinical features of multiple osteochondromatosis (internal data). ClinVar contains an entry for this variant (Variation ID: 456059). Algorithms developed to predict the effect of sequence changes on RNA splicing suggest that this variant may disrupt the consensus splice site. For these reasons, this variant has been classified as Pathogenic.

Literature cited by the submitters: PubMed 16199547 (cited by Labcorp Genetics (formerly Invitae), Labcorp); PubMed 10679937 (cited by Labcorp Genetics (formerly Invitae), Labcorp); PubMed 11391482 (cited by Labcorp Genetics (formerly Invitae), Labcorp); PubMed 19810120 (cited by Labcorp Genetics (formerly Invitae), Labcorp).